The following is an entry in ClinVar:

ClinVar aggregate classification (germline): Likely benign. Review status: criteria provided, single submitter (1 of 4 stars). 2 submissions from 2 submitters: Likely benign (1). 1 of the submissions does not count toward it. Last evaluated 2025-09-10.

Conditions:
KIDINS220-related disorder. Also called: KIDINS220-related condition.

gnomAD v4.1: 12 of 1,588,264 alleles (0.00076%); highest among the groups gnomAD compares: African/African-American, 0.0095%; no homozygotes.

Submissions (2):

Labcorp Genetics (formerly Invitae), Labcorp
Classification: Likely benign. Last evaluated: 2025-09-10. Review status: criteria provided, single submitter. Criteria: Invitae Variant Classification Sherloc (09022015). Collection method: clinical testing. Allele origin: germline.

PreventionGenetics, part of Exact Sciences
Classification: Likely benign for KIDINS220-related condition. Last evaluated: 2022-05-25. Review status: no assertion criteria provided. Collection method: clinical testing. Allele origin: germline. Not counted in ClinVar's aggregate classification.
Comment: This variant is classified as likely benign based on ACMG/AMP sequence variant interpretation guidelines (Richards et al. 2015 PMID: 25741868, with internal and published modifications).

NM_020738.4(KIDINS220):c.417C>T (p.Tyr139=)

Gene: KIDINS220 (kinase D interacting substrate 220; minus strand). Cytogenetic location: 2p25.1.
Variant type: single nucleotide variant.
Coding change: c.417C>T on transcript NM_020738.4 (MANE Select); coding-DNA position 417, C replaced by T.
Protein change: p.Tyr139=; no amino-acid change (tyrosine 139 retained).
Molecular consequence: synonymous variant. On other transcripts: non-coding transcript variant (2).
Genome position (GRCh38, 1-based): chr2:8,812,482, G>A on the plus strand (C>T on the coding strand, the complement: KIDINS220 is on the minus strand). VCF-style: chr2-8812482-G-A. GRCh37 (hg19) VCF-style: chr2-8952612-G-A.
Other names: c.420C>T, p.Tyr140= (NM_001348729.2, NM_001348731.2, NM_001348734.2 and 3 more transcripts); c.417C>T, p.Tyr139= (NM_001348732.2, NM_001348735.2, NM_001348738.2 and 3 more transcripts); c.291C>T, p.Tyr97= (NM_001348736.2).
Identifiers: ClinVar variation 3351970 (VCV003351970.2).